The following is an entry in ClinVar:

ClinVar aggregate classification (germline): Pathogenic (1 of 4 stars; one submission).

Conditions:
Multiple congenital exostosis (EXT). Also called: MULTIPLE CARTILAGINOUS EXOSTOSES; Multiple osteochondromas; Multiple exostoses; Hereditary multiple exostoses; Hereditary multiple exostosis; Hereditary multiple osteochondromas. Identifiers: Orphanet 321, MedGen C0015306, MONDO:0005508, HP:0002762.

Submission:

Labcorp Genetics (formerly Invitae), Labcorp
Classification: Pathogenic for Multiple congenital exostosis. Last evaluated: 2018-09-17. Review status: criteria provided, single submitter. Criteria: Invitae Variant Classification Sherloc (09022015). Collection method: clinical testing. Allele origin: germline.
Comment: This sequence change creates a premature translational stop signal (p.Met215Valfs*30) in the EXT1 gene. It is expected to result in an absent or disrupted protein product. This variant is not present in population databases (ExAC no frequency). This variant has not been reported in the literature in individuals with EXT1-related disease. Loss-of-function variants in EXT1 are known to be pathogenic (PMID: 10679937, 11391482, 19810120). For these reasons, this variant has been classified as Pathogenic.

Literature cited by the submitters: PubMed 10679937; PubMed 11391482; PubMed 19810120.

NM_000127.3(EXT1):c.642_663del (p.Met215fs)

Gene: EXT1 (exostosin glycosyltransferase 1; minus strand). Cytogenetic location: 8q24.11.
Variant type: Deletion.
Coding change: c.642_663del on transcript NM_000127.3 (MANE Select); coding-DNA positions 642 to 663, 22 bases deleted (GATGCTGGCCAAAGCCAGCATC).
Protein change: p.Met215fs; shifts the reading frame from methionine 215.
Molecular consequence: frameshift variant.
Genome position (GRCh38, 1-based): chr8:118,110,384-118,110,405, GATGCTGGCTTTGGCCAGCATC deleted on the plus strand (GATGCTGGCCAAAGCCAGCATC on the coding strand, the reverse complement: EXT1 is on the minus strand); deleting any 22 consecutive bases within chr8:118,110,384-118,110,406 gives the same sequence; the c. name uses the placement nearest the transcript's 3' end. VCF-style (leftmost placement, unchanged base first): chr8-118110383-TGATGCTGGCTTTGGCCAGCATC-T. GRCh37 (hg19) VCF-style: chr8-119122622-TGATGCTGGCTTTGGCCAGCATC-T.
Other names: c.642_663delGATGCTGGCCAAAGCCAGCATC (NM_000127.2); short protein forms M215fs.
Identifiers: ClinVar variation 642724 (VCV000642724.6), dbSNP rs1586279544, ClinGen allele CA915948673.